The following is an entry in ClinVar:

ClinVar aggregate classification (germline): Uncertain significance. Review status: criteria provided, multiple submitters, no conflicts (2 of 4 stars). 2 submissions from 2 submitters: Uncertain significance (2). Last evaluated 2019-04-04.

Conditions:
Hereditary cancer-predisposing syndrome. Also called: Hereditary Cancer Syndrome; Neoplastic Syndromes, Hereditary; Tumor predisposition; Hereditary neoplastic syndrome. Identifiers: Orphanet 140162, MedGen C0027672, MeSH D009386, MONDO:0015356.

Allele frequency attached by ClinVar (database versions not stated): gnomAD exomes below 0.00001; gnomAD 0.00001; TOPMed 0.00003.
gnomAD v4.1: 3 of 1,609,856 alleles (0.00019%); highest among the groups gnomAD compares: Non-Finnish European, 0.00017%; no homozygotes.

Submissions (2):

Color Diagnostics, LLC DBA Color Health
Classification: Uncertain significance for Hereditary cancer-predisposing syndrome. Last evaluated: 2019-04-04. Review status: criteria provided, single submitter. Criteria: ACMG Guidelines, 2015. Collection method: clinical testing. Allele origin: germline.

Ambry Genetics
Classification: Uncertain significance for Hereditary cancer-predisposing syndrome. Last evaluated: 2014-07-10. Review status: criteria provided, single submitter. Criteria: Ambry Variant Classification Scheme 2023. Collection method: clinical testing. Allele origin: germline.
Comment: The c.-19T>C alteration is located in the 5' untranslated region (5'UTR) of the ATM gene. This alteration consists of a T to C substitution nucleotides upstream from the first translated codon. Based on insufficient or conflicting evidence, the clinical significance of this alteration remains unclear.

NM_000051.4(ATM):c.-19T>C

Gene: ATM (ATM serine/threonine kinase; plus strand). Cytogenetic location: 11q22.3.
Variant type: single nucleotide variant.
Coding change: c.-19T>C on transcript NM_000051.4 (MANE Select); 19 bases upstream of the start codon, T replaced by C.
Molecular consequence: 5 prime UTR variant.
Genome position (GRCh38, 1-based): chr11:108,227,606, T>C. VCF-style: chr11-108227606-T-C. GRCh37 (hg19) VCF-style: chr11-108098333-T-C.
Other names: c.-19T>C (NM_001351834.2, NM_001351835.2, NM_001351836.2).
Identifiers: ClinVar variation 490408 (VCV000490408.5), dbSNP rs890075956, ClinGen allele CA228368004.